The following is an entry in ClinVar:

ClinVar aggregate classification (germline): Uncertain significance (1 of 4 stars; one submission).

gnomAD v4.1: 1 of 1,614,124 alleles (0.000062%); highest among the groups gnomAD compares: Non-Finnish European, 0.000085%; no homozygotes.

Submission:

GeneDx
Classification: Uncertain significance. Last evaluated: 2025-07-09. Review status: criteria provided, single submitter. Criteria: GeneDx Variant Classification Process June 2021. Collection method: clinical testing. Allele origin: germline. Affected: yes.
Comment: Not observed at significant frequency in large population cohorts (gnomAD); In silico analysis suggests that this missense variant does not alter protein structure/function; Has not been previously published as pathogenic or benign to our knowledge

NM_003128.3(SPTBN1):c.6727G>C (p.Ala2243Pro)

Genes: SPTBN1 (spectrin beta, non-erythrocytic 1; plus strand), SPTBN1-AS2 (SPTBN1 antisense RNA 2; minus strand). Cytogenetic location: 2p16.2.
Variant type: single nucleotide variant.
Coding change: c.6727G>C on transcript NM_003128.3 (MANE Select); coding-DNA position 6727, G replaced by C.
Protein change: p.Ala2243Pro; replaces alanine 2243 with proline.
Molecular consequence: missense variant.
Genome position (GRCh38, 1-based): chr2:54,665,982, G>C. VCF-style: chr2-54665982-G-C. GRCh37 (hg19) VCF-style: chr2-54893119-G-C.
Other names: short protein forms A2243P.
Identifiers: ClinVar variation 4685239 (VCV004685239.1).
Genomic context (GRCh38, chr2:54,665,982, plus strand): 5'-CACAATGTTTATTGTGTCATAAATAACCAAGAAATGGGTTTCTACAAAGATGCAAAGACT[G>C]CTGCTTCTGGAATTCCCTACCACAGCGAGGTCCCTGTGAGTTTGAAAGAAGCTGTCTGCG-3'
Protein context (NP_003119.2, residues 2233-2253): EMGFYKDAKT[Ala2243Pro]ASGIPYHSEV